The following is an entry in ClinVar:

NM_000535.7(PMS2):c.2446-440_*2del

Gene: PMS2 (PMS1 homolog 2, mismatch repair system component; minus strand). Cytogenetic location: 7p22.1.
Variant type: Deletion.
Coding change: c.2446-440_*2del on transcript NM_000535.7 (MANE Select); 440 bases into the intron before coding-DNA position 2446 through 2 bases downstream of the stop codon, 586 bases deleted.
Molecular consequence: splice acceptor variant.
Genome position (GRCh38, 1-based): chr7:5,973,397-5,973,982, 586 bases deleted. GRCh37 (hg19): chr7:6,013,028-6,013,613.
Other names: c.2128-440_*2del (NM_001322008.2, NM_001322007.2); c.1885-440_*2del (NM_001322010.2); c.2041-440_*2del (NM_001322004.2, NM_001322003.2, NM_001322005.2); c.1873-440_*2del (NM_001322013.2); c.1513-440_*2del (NM_001322012.2, NM_001322011.2); c.2137-440_*2del (NM_001322015.2); c.2290-440_*2del (NM_001322006.2); c.2479-440_*2del (NM_001322014.2); and 1 more.
Identifiers: ClinVar variation 1050527 (VCV001050527.1), dbSNP rs2128656484, ClinGen allele CA2499218928.

ClinVar aggregate classification (germline): Pathogenic (0 of 4 stars; one submission).

Submission:

Department of Pathology and Laboratory Medicine, Sinai Health System
Classification: Pathogenic. Review status: no assertion criteria provided. Collection method: clinical testing. Allele origin: unknown. Affected: yes. Study: The Canadian Open Genetics Repository (COGR).
Comment: The PMS2 c.2007-?_2589+?del variant (chr:7 g.6013030_6022622del GRCh37) results in a deletion of exons 12 to 15, although the precise breakpoints of this deletion were not determined, nor were the effects of this variant on the resulting mRNA or protein product determined. The PMS2 c.2007-?_2589+?del variant was not identified in the literature nor was it identified in the dbSNP, ClinVar, Clinvitae, GeneInsight-COGR, Cosmic, Insight Colon Cancer Gene Variant Database, Zhejiang Colon Cancer Database, Mismatch Repair Genes Variant Database, Insight Hereditary Tumors Database, the 1000 Genomes Project, the NHLBI GO Exome Sequencing Project or the Exome Aggregation Consortium (August 8th 2016) control databases. The c.2007-?_2589+?del variant is predicted to cause a frameshift, which alters the protein's amino acid sequence beginning at codon 670 and leads to a premature stop codon 7 codons downstream. This alteration is then predicted to result in a truncated or absent protein and loss of function. Loss of function variants of the PMS2 gene are an established mechanism of disease Lynch syndrome and this is the type of variant expected to cause the disorder. Vaughn et al 2011 identified PMS2 exon 13-15 deletion in 2 patients with colon cancer from different families. More over multiple pathogenic nonsense and frameshift variants are reported in ClinVar downstream of the p.Lys670ArgfsX7 variant. In summary, based on the above information this variant meets our laboratoryâ€šÃ„Ã´s criteria to be classified as pathogenic.